The following is an entry in ClinVar:

ClinVar aggregate classification (germline): Pathogenic (1 of 4 stars; one submission).

Conditions:
Deficiency of hydroxymethylglutaryl-CoA lyase (HMGCLD). Also called: HMGCL DEFICIENCY; HYDROXYMETHYLGLUTARIC ACIDURIA; Defect in leucine metabolism; 3-hydroxy-3-methylglutaric aciduria; HMG-CoA LYASE DEFICIENCY. Identifiers: Orphanet 20, MedGen C1533587, MONDO:0009520, OMIM 246450.

Submission:

Labcorp Genetics (formerly Invitae), Labcorp
Classification: Pathogenic for Deficiency of hydroxymethylglutaryl-CoA lyase. Last evaluated: 2021-06-02. Review status: criteria provided, single submitter. Criteria: Invitae Variant Classification Sherloc (09022015). Collection method: clinical testing. Allele origin: germline.
Comment: This variant is a gross deletion of the genomic region encompassing exon(s) 1-6 of the HMGCL gene, which includes the initiator codon. The 5' end of this event is unknown as it extends beyond the assayed region for this gene and therefore may encompass additional genes. The 3' boundary is likely confined to intron 6 of the HMGCL gene. It is expected to result in an absent or disrupted protein product. Loss-of-function variants in HMGCL are known to be pathogenic (PMID: 9817922, 17692550, 23465862). This variant has not been reported in the literature in individuals with HMGCL-related conditions. For these reasons, this variant has been classified as Pathogenic.

Literature cited by the submitters: PubMed 9817922; PubMed 17692550; PubMed 23465862.

NC_000001.10:g.(?_24137216)_(24151915_?)del

Gene: HMGCL (3-hydroxy-3-methylglutaryl-CoA lyase; minus strand). Cytogenetic location: 1p36.11.
Variant type: Deletion.
Identifiers: ClinVar variation 1410691 (VCV001410691.3).